The following is an entry in ClinVar:

NM_000540.3(RYR1):c.2245C>T (p.Leu749Phe)

Gene: RYR1 (ryanodine receptor 1; plus strand). Cytogenetic location: 19q13.2.
Variant type: single nucleotide variant.
Coding change: c.2245C>T on transcript NM_000540.3 (MANE Select); coding-DNA position 2245, C replaced by T.
Protein change: p.Leu749Phe; replaces leucine 749 with phenylalanine.
Molecular consequence: missense variant.
Genome position (GRCh38, 1-based): chr19:38,459,223, C>T. VCF-style: chr19-38459223-C-T. GRCh37 (hg19) VCF-style: chr19-38949863-C-T.
Other names: c.2245C>T, p.Leu749Phe (NM_001042723.2); short protein forms L749F.
Identifiers: ClinVar variation 5009402 (VCV005009402.1).
Genomic context (GRCh38, chr19:38,459,223, plus strand): 5'-GTGACTTCCCCAGGGCAGCACCTCCTGGCCCCTGAAGACGTGATCAGCTGCTGCCTGGAC[C>T]TCAGCGTGCCGTCCATCTCCTTCCGCATCAACGGCTGCCCCGTGCAGGGTGTCTTTGAGT-3'
Protein context (NP_000531.2, residues 739-759): PEDVISCCLD[Leu749Phe]SVPSISFRIN

ClinVar aggregate classification (germline): Uncertain significance (1 of 4 stars; one submission).

Submission:

GeneDx
Classification: Uncertain significance. Last evaluated: 2026-03-20. Review status: criteria provided, single submitter. Criteria: GeneDx Variant Classification Process June 2021. Collection method: clinical testing. Allele origin: germline.
Comment: Not observed at significant frequency in large population cohorts (gnomAD); In silico analysis supports that this missense variant has a deleterious effect on protein structure/function; Has not been previously published as pathogenic or benign to our knowledge